The following is an entry in ClinVar:

ClinVar aggregate classification (germline): Benign/Likely benign. Review status: criteria provided, multiple submitters, no conflicts (2 of 4 stars). 3 submissions from 3 submitters: Benign (1); Likely benign (1). 1 of the submissions does not count toward it. Last evaluated 2023-03-22.

Conditions:
NSMF-related disorder. Also called: NSMF-related condition.

Allele frequency attached by ClinVar (database versions not stated): gnomAD 0.00001 and 0.00034; TOPMed 0.00005; gnomAD exomes 0.00061 and 0.00135; ExAC 0.00154; 1000 Genomes Project 30x 0.00203; 1000 Genomes Project 0.00260.
gnomAD v4.1: 936 of 1,613,132 alleles (0.058%); highest among the groups gnomAD compares: South Asian, 0.96%; 23 homozygotes.

Submissions (3):

Labcorp Genetics (formerly Invitae), Labcorp
Classification: Benign. Last evaluated: 2023-03-22. Review status: criteria provided, single submitter. Criteria: Invitae Variant Classification Sherloc (09022015). Collection method: clinical testing. Allele origin: germline.

GeneDx
Classification: Likely benign. Last evaluated: 2019-11-07. Review status: criteria provided, single submitter. Criteria: GeneDx Variant Classification Process June 2021. Collection method: clinical testing. Allele origin: germline. Affected: yes.

PreventionGenetics, part of Exact Sciences
Classification: Benign for NSMF-related condition. Last evaluated: 2019-06-10. Review status: no assertion criteria provided. Collection method: clinical testing. Allele origin: germline. Not counted in ClinVar's aggregate classification.
Comment: This variant is classified as benign based on ACMG/AMP sequence variant interpretation guidelines (Richards et al. 2015 PMID: 25741868, with internal and published modifications).

NM_001130969.3(NSMF):c.1347C>T (p.Ser449=)

Genes: NSMF (NMDA receptor synaptonuclear signaling and neuronal migration factor; minus strand), LOC126860797 (MED14-independent group 3 enhancer GRCh37_chr9:140343721-140344920; plus strand). Cytogenetic location: 9q34.3.
Variant type: single nucleotide variant.
Coding change: c.1347C>T on transcript NM_001130969.3 (MANE Select); coding-DNA position 1347, C replaced by T.
Protein change: p.Ser449=; no amino-acid change (serine 449 retained).
Molecular consequence: synonymous variant.
Genome position (GRCh38, 1-based): chr9:137,449,995, G>A on the plus strand (C>T on the coding strand, the complement: NSMF is on the minus strand). VCF-style: chr9-137449995-G-A. GRCh37 (hg19) VCF-style: chr9-140344447-G-A.
Other names: c.1278C>T, p.Ser426= (NM_001130970.2); c.1272C>T, p.Ser424= (NM_001130971.2); c.1257C>T, p.Ser419= (NM_001178064.2); c.1341C>T, p.Ser447= (NM_015537.5); c.1347C>T (NM_001130969.1).
Identifiers: ClinVar variation 1215926 (VCV001215926.10), dbSNP rs201898743, ClinGen allele CA5370020.